The following is an entry in ClinVar:

NM_012179.4(FBXO7):c.127A>G (p.Asn43Asp)

Gene: FBXO7 (F-box protein 7; plus strand). Cytogenetic location: 22q12.3.
Variant type: single nucleotide variant.
Coding change: c.127A>G on transcript NM_012179.4 (MANE Select); coding-DNA position 127, A replaced by G.
Protein change: p.Asn43Asp; replaces asparagine 43 with aspartic acid.
Molecular consequence: missense variant. On other transcripts: 5 prime UTR variant (1), intron variant (1).
Genome position (GRCh38, 1-based): chr22:32,478,985, A>G. VCF-style: chr22-32478985-A-G. GRCh37 (hg19) VCF-style: chr22-32874972-A-G.
Other names: c.-216A>G (NM_001257990.2); c.38-148A>G (NM_001033024.2); short protein forms N43D.
Identifiers: ClinVar variation 2202162 (VCV002202162.1), dbSNP rs775290396, ClinGen allele CA10201361.
Genomic context (GRCh38, chr22:32,478,985, plus strand): 5'-ATTGAAGGTATTAGAAGTAGGTAGTTCTTACTATGCTTATCTGTCTTTCTTGGCAGTTCT[A>G]ATACCCGATTTACAATTACATTGAACTACAAGGATCCCCTCACTGGAGATGAAGAGACCT-3'
Protein context (NP_036311.3, residues 33-53): SLLCTWGYSS[Asn43Asp]TRFTITLNYK

ClinVar aggregate classification (germline): Uncertain significance (1 of 4 stars; one submission).

Conditions:
Parkinsonian-pyramidal syndrome. Also called: PALLIDOPYRAMIDAL SYNDROME; PARKINSON DISEASE 15, AUTOSOMAL RECESSIVE; PARKINSON DISEASE 15, AUTOSOMAL RECESSIVE EARLY-ONSET. Identifiers: Orphanet 171695, MedGen C1850100, MONDO:0009830, OMIM 260300.

Allele frequency attached by ClinVar (database versions not stated): gnomAD exomes below 0.00001; TOPMed below 0.00001; gnomAD 0.00001; ExAC 0.00002.
gnomAD v4.1: 7 of 1,614,028 alleles (0.00043%); highest among the groups gnomAD compares: South Asian, 0.0022%; no homozygotes.

Submission:

Labcorp Genetics (formerly Invitae), Labcorp
Classification: Uncertain significance for Parkinsonian-pyramidal syndrome. Last evaluated: 2022-05-10. Review status: criteria provided, single submitter. Criteria: Invitae Variant Classification Sherloc (09022015). Collection method: clinical testing. Allele origin: germline.
Comment: This sequence change replaces asparagine, which is neutral and polar, with aspartic acid, which is acidic and polar, at codon 43 of the FBXO7 protein (p.Asn43Asp). This variant is present in population databases (rs775290396, gnomAD 0.003%). This variant has not been reported in the literature in individuals affected with FBXO7-related conditions. Algorithms developed to predict the effect of missense changes on protein structure and function output the following: SIFT: "Tolerated"; PolyPhen-2: "Benign"; Align-GVGD: "Class C0". The aspartic acid amino acid residue is found in multiple mammalian species, which suggests that this missense change does not adversely affect protein function. In summary, the available evidence is currently insufficient to determine the role of this variant in disease. Therefore, it has been classified as a Variant of Uncertain Significance.